The following is an entry in ClinVar:

NM_002880.4(RAF1):c.208-17T>C

Gene: RAF1 (Raf-1 proto-oncogene, serine/threonine kinase; minus strand). Cytogenetic location: 3p25.2.
Variant type: single nucleotide variant.
Coding change: c.208-17T>C on transcript NM_002880.4 (MANE Select); 17 bases into the intron before coding-DNA position 208, T replaced by C.
Molecular consequence: intron variant.
Genome position (GRCh38, 1-based): chr3:12,612,079, A>G on the plus strand (T>C on the coding strand, the complement: RAF1 is on the minus strand). VCF-style: chr3-12612079-A-G. GRCh37 (hg19) VCF-style: chr3-12653578-A-G.
Other names: c.78-2744T>C (NM_001354695.3, NM_001354692.3, NM_001354694.3 and 1 more transcripts); c.208-17T>C (NM_001354693.3, NM_001354689.3, NM_001354690.3).
Identifiers: ClinVar variation 40587 (VCV000040587.18), dbSNP rs3730268, ClinGen allele CA185962.

ClinVar aggregate classification (germline): Benign/Likely benign. Review status: criteria provided, multiple submitters, no conflicts (2 of 4 stars). 8 submissions from 8 submitters: Benign (6); Likely benign (1). 1 of the submissions does not count toward it. Last evaluated 2026-02-02.

Conditions:
Cardiovascular phenotype. Identifiers: MedGen CN230736.
RASopathy. Also called: rasopathies; Noonan spectrum disorder. Identifiers: Orphanet 536391, MedGen C5555857, MONDO:0021060.

Allele frequency attached by ClinVar (database versions not stated): 1000 Genomes Project 30x 0.00531; TOPMed 0.00549; ESP Exome Variant Server 0.00692; gnomAD 0.00496 and 0.00529; 1000 Genomes Project 0.00519; gnomAD exomes 0.00137; ExAC 0.00176.
gnomAD v4.1: 1,630 of 1,593,582 alleles (0.1%); highest among the groups gnomAD compares: African/African-American, 1.8%; 10 homozygotes.

Submissions (8):

Labcorp Genetics (formerly Invitae), Labcorp
Classification: Benign for RASopathy. Last evaluated: 2026-02-02. Review status: criteria provided, single submitter. Criteria: Invitae Variant Classification Sherloc (09022015). Collection method: clinical testing. Allele origin: germline.

Blueprint Genetics
Classification: Likely benign. Last evaluated: 2024-11-22. Review status: criteria provided, single submitter. Criteria: ACMG Guidelines, 2015. Collection method: clinical testing. Allele origin: germline.

ARUP Laboratories, Molecular Genetics and Genomics, ARUP Laboratories
Classification: Benign. Last evaluated: 2024-02-08. Review status: criteria provided, single submitter. Criteria: ARUP Molecular Germline Variant Investigation Process 2024. Collection method: clinical testing. Allele origin: germline.

Women's Health and Genetics/Laboratory Corporation of America, LabCorp
Classification: Benign. Last evaluated: 2020-02-24. Review status: criteria provided, single submitter. Criteria: LabCorp Variant Classification Summary - May 2015. Collection method: clinical testing. Allele origin: germline.
Comment: Variant summary: RAF1 c.208-17T>C alters a non-conserved nucleotide located close to a canonical splice site and therefore could affect mRNA splicing, leading to a significantly altered protein sequence. 4/4 computational tools predict no significant impact on normal splicing. However, these predictions have yet to be confirmed by functional studies. The variant allele was found at a frequency of 0.0018 in 282856 control chromosomes, predominantly at a frequency of 0.018 within the African or African-American subpopulation in the gnomAD database, including 3 homozygotes. The observed variant frequency within African or African-American control individuals in the gnomAD database is approximately 700 fold of the estimated maximal expected allele frequency for a pathogenic variant in RAF1 causing Noonan Syndrome and Related Conditions phenotype (2.5e-05), strongly suggesting that the variant is a benign polymorphism found primarily in populations of African or African-American origin. To our knowledge, no occurrence of c.208-17T>C in individuals affected with Noonan Syndrome and Related Conditions and no experimental evidence demonstrating its impact on protein function have been reported. One clinical diagnostic laboratory has submitted clinical-significance assessments for this variant to ClinVar after 2014 without evidence for independent evaluation, and classified the variant as benign. Based on the evidence outlined above, the variant was classified as benign.

Ambry Genetics
Classification: Benign for Cardiovascular phenotype. Last evaluated: 2014-12-08. Review status: criteria provided, single submitter. Criteria: Ambry Variant Classification Scheme 2023. Collection method: clinical testing. Allele origin: germline.

GeneDx
Classification: Benign. Last evaluated: 2013-01-18. Review status: criteria provided, single submitter. Criteria: GeneDx Variant Classification (06012015). Collection method: clinical testing. Allele origin: germline. Affected: yes.
Comment: This variant is considered likely benign or benign based on one or more of the following criteria: it is a conservative change, it occurs at a poorly conserved position in the protein, it is predicted to be benign by multiple in silico algorithms, and/or has population frequency not consistent with disease.

Breakthrough Genomics
Classification: Benign. Review status: criteria provided, single submitter. Criteria: ACMG Guidelines, 2015. Collection method: not provided. Allele origin: germline. Inheritance: Autosomal dominant inheritance. Affected: yes.

Greenwood Genetic Center Diagnostic Laboratories, Greenwood Genetic Center
Classification: Benign. Last evaluated: 2015-01-15. Review status: no assertion criteria provided. Collection method: clinical testing. Allele origin: germline. Not counted in ClinVar's aggregate classification.